The following is an entry in ClinVar:

ClinVar aggregate classification (germline): Uncertain significance (1 of 4 stars; one submission).

gnomAD v4.1: 1 of 1,612,490 alleles (0.000062%); no homozygotes.

Submission:

GeneDx
Classification: Uncertain significance. Last evaluated: 2026-03-31. Review status: criteria provided, single submitter. Criteria: GeneDx Variant Classification Process June 2021. Collection method: clinical testing. Allele origin: germline.
Comment: Not observed at significant frequency in large population cohorts (gnomAD); In silico analysis supports that this missense variant has a deleterious effect on protein structure/function; Has not been previously published as pathogenic or benign to our knowledge

NM_018082.6(POLR3B):c.1448A>G (p.Asp483Gly)

Gene: POLR3B (RNA polymerase III subunit B; plus strand). Cytogenetic location: 12q23.3.
Variant type: single nucleotide variant.
Coding change: c.1448A>G on transcript NM_018082.6 (MANE Select); coding-DNA position 1448, A replaced by G.
Protein change: p.Asp483Gly; replaces aspartic acid 483 with glycine.
Molecular consequence: missense variant.
Genome position (GRCh38, 1-based): chr12:106,430,457, A>G. VCF-style: chr12-106430457-A-G. GRCh37 (hg19) VCF-style: chr12-106824235-A-G.
Other names: c.1274A>G, p.Asp425Gly (NM_001160708.2); short protein forms D425G, D483G.
Identifiers: ClinVar variation 5016880 (VCV005016880.1).